The following is an entry in ClinVar:

ClinVar aggregate classification (germline): Likely benign (1 of 4 stars; one submission).

Allele frequency attached by ClinVar (database versions not stated): ExAC 0.00001; gnomAD exomes 0.00003; TOPMed 0.00003; gnomAD 0.00004.
gnomAD v4.1: 34 of 1,207,559 alleles (0.0028%); highest among the groups gnomAD compares: Non-Finnish European, 0.0036%; no homozygotes.

Submission:

CeGaT Center for Human Genetics Tuebingen
Classification: Likely benign. Last evaluated: 2023-01-01. Review status: criteria provided, single submitter. Criteria: CeGaT Center For Human Genetics Tuebingen Variant Classification Criteria Version 2. Collection method: clinical testing. Allele origin: germline. Affected: yes. Observed: 1 variant allele.
Comment: POF1B: BP4, BP7

NM_024921.4(POF1B):c.111C>T (p.Ser37=)

Gene: POF1B (POF1B actin binding protein; minus strand). Cytogenetic location: Xq21.1.
Variant type: single nucleotide variant.
Coding change: c.111C>T on transcript NM_024921.4 (MANE Select); coding-DNA position 111, C replaced by T.
Protein change: p.Ser37=; no amino-acid change (serine 37 retained).
Molecular consequence: synonymous variant.
Genome position (GRCh38, 1-based): chrX:85,379,344, G>A on the plus strand (C>T on the coding strand, the complement: POF1B is on the minus strand). VCF-style: chrX-85379344-G-A. GRCh37 (hg19) VCF-style: chrX-84634349-G-A.
Other names: c.111C>T, p.Ser37= (NM_001307940.2).
Identifiers: ClinVar variation 2661005 (VCV002661005.24), dbSNP rs767638131, ClinGen allele CA10465245.